The following is an entry in ClinVar:

ClinVar aggregate classification (germline): Uncertain significance (1 of 4 stars; one submission).

Conditions:
Chédiak-Higashi syndrome (CHS). Also called: Chediak-Higashi Syndrome. Identifiers: Orphanet 167, MedGen C0007965, MONDO:0008963, OMIM 214500.

Allele frequency attached by ClinVar (database versions not stated): gnomAD exomes below 0.00001.
gnomAD v4.1: 1 of 1,613,426 alleles (0.000062%); highest among the groups gnomAD compares: Non-Finnish European, 0.000085%; no homozygotes.

Submission:

Labcorp Genetics (formerly Invitae), Labcorp
Classification: Uncertain significance for Chédiak-Higashi syndrome. Last evaluated: 2022-01-12. Review status: criteria provided, single submitter. Criteria: Invitae Variant Classification Sherloc (09022015). Collection method: clinical testing. Allele origin: germline.
Comment: In summary, the available evidence is currently insufficient to determine the role of this variant in disease. Therefore, it has been classified as a Variant of Uncertain Significance. Variants that disrupt the consensus splice site are a relatively common cause of aberrant splicing (PMID: 17576681, 9536098). Algorithms developed to predict the effect of sequence changes on RNA splicing suggest that this variant is not likely to affect RNA splicing. This variant has not been reported in the literature in individuals affected with LYST-related conditions. This variant is not present in population databases (gnomAD no frequency). This sequence change falls in intron 40 of the LYST gene. It does not directly change the encoded amino acid sequence of the LYST protein. It affects a nucleotide within the consensus splice site.

Literature cited by the submitters: PubMed 17576681; PubMed 9536098.

NM_000081.4(LYST):c.9560+3A>G

Gene: LYST (lysosomal trafficking regulator; minus strand). Cytogenetic location: 1q42.3.
Variant type: single nucleotide variant.
Coding change: c.9560+3A>G on transcript NM_000081.4 (MANE Select); 3 bases into the intron after coding-DNA position 9560, A replaced by G.
Molecular consequence: intron variant.
Genome position (GRCh38, 1-based): chr1:235,720,658, T>C on the plus strand (A>G on the coding strand, the complement: LYST is on the minus strand). VCF-style: chr1-235720658-T-C. GRCh37 (hg19) VCF-style: chr1-235883958-T-C.
Other names: c.9560+3A>G (NM_001301365.1).
Identifiers: ClinVar variation 1983293 (VCV001983293.4), dbSNP rs2527448100, ClinGen allele CA2580062330.